The following is an entry in ClinVar:

ClinVar aggregate classification (germline): Likely pathogenic (1 of 4 stars; one submission).

Conditions:
Neurodevelopmental disorder with cerebral atrophy and variable facial dysmorphism. Identifiers: MedGen C5543228, MONDO:0030999, OMIM 619244.

Submission:

Juno Genomics, Hangzhou Juno Genomics, Inc
Classification: Likely pathogenic for Neurodevelopmental disorder with cerebral atrophy and variable facial dysmorphism. Review status: criteria provided, single submitter. Criteria: ACMG Guidelines, 2015. Collection method: clinical testing. Allele origin: germline.
Comment: Null variant in a gene where loss of function (LOF) is a known mechanism of disease.;Absent from controls (or at extremely low frequency if recessive) in Genome Aggregation Database.

NM_138376.3(TTC5):c.139C>T (p.Gln47Ter)

Gene: TTC5 (tetratricopeptide repeat domain 5; minus strand). Cytogenetic location: 14q11.2.
Variant type: single nucleotide variant.
Coding change: c.139C>T on transcript NM_138376.3 (MANE Select); coding-DNA position 139, C replaced by T.
Protein change: p.Gln47Ter; replaces glutamine 47 with a stop codon.
Molecular consequence: nonsense.
Genome position (GRCh38, 1-based): chr14:20,301,878, G>A on the plus strand (C>T on the coding strand, the complement: TTC5 is on the minus strand). VCF-style: chr14-20301878-G-A. GRCh37 (hg19) VCF-style: chr14-20770037-G-A.
Other names: short protein forms Q47*.
Identifiers: ClinVar variation 5005291 (VCV005005291.2).